The following is an entry in ClinVar:

ClinVar aggregate classification (germline): Uncertain significance (1 of 4 stars; one submission).

Submission:

CeGaT Center for Human Genetics Tuebingen
Classification: Uncertain significance. Last evaluated: 2025-03-01. Review status: criteria provided, single submitter. Criteria: CeGaT Center For Human Genetics Tuebingen Variant Classification Criteria Version 2. Collection method: clinical testing. Allele origin: germline. Affected: yes. Observed: 1 variant allele.
Comment: ANKRD11: PM2, PP3

NM_013275.6(ANKRD11):c.748G>T (p.Val250Leu)

Gene: ANKRD11 (ankyrin repeat domain 11; minus strand). Cytogenetic location: 16q24.3.
Variant type: single nucleotide variant.
Coding change: c.748G>T on transcript NM_013275.6 (MANE Select); coding-DNA position 748, G replaced by T.
Protein change: p.Val250Leu; replaces valine 250 with leucine.
Molecular consequence: missense variant.
Genome position (GRCh38, 1-based): chr16:89,286,183, C>A on the plus strand (G>T on the coding strand, the complement: ANKRD11 is on the minus strand). VCF-style: chr16-89286183-C-A. GRCh37 (hg19) VCF-style: chr16-89352591-C-A.
Other names: c.748G>T, p.Val250Leu (NM_001256182.2, NM_001256183.2); short protein forms V250L.
Identifiers: ClinVar variation 3778359 (VCV003778359.7).